The following is an entry in ClinVar:

NM_001184.4(ATR):c.876A>C (p.Glu292Asp)

Gene: ATR (ATR checkpoint kinase; minus strand). Cytogenetic location: 3q23.
Variant type: single nucleotide variant.
Coding change: c.876A>C on transcript NM_001184.4 (MANE Select); coding-DNA position 876, A replaced by C.
Protein change: p.Glu292Asp; replaces glutamic acid 292 with aspartic acid.
Molecular consequence: missense variant.
Genome position (GRCh38, 1-based): chr3:142,562,526, T>G on the plus strand (A>C on the coding strand, the complement: ATR is on the minus strand). VCF-style: chr3-142562526-T-G. GRCh37 (hg19) VCF-style: chr3-142281368-T-G.
Other names: c.876A>C, p.Glu292Asp (NM_001354579.2); short protein forms E292D.
Identifiers: ClinVar variation 1764582 (VCV001764582.3), dbSNP rs747866858, ClinGen allele CA2650712.

ClinVar aggregate classification (germline): Uncertain significance (1 of 4 stars; one submission).

Conditions:
Inborn genetic diseases. Identifiers: MedGen C0950123, MeSH D030342.

Allele frequency attached by ClinVar (database versions not stated): gnomAD exomes below 0.00001; gnomAD 0.00001; TOPMed 0.00001; ExAC 0.00002.
gnomAD v4.1: 5 of 1,613,652 alleles (0.00031%); highest among the groups gnomAD compares: Admixed American, 0.0017%; no homozygotes.

Submission:

Ambry Genetics
Classification: Uncertain significance for Inborn genetic diseases. Last evaluated: 2024-11-16. Review status: criteria provided, single submitter. Criteria: Ambry Variant Classification Scheme 2023. Collection method: clinical testing. Allele origin: germline.
Comment: The p.E292D variant (also known as c.876A>C), located in coding exon 4 of the ATR gene, results from an A to C substitution at nucleotide position 876. The glutamic acid at codon 292 is replaced by aspartic acid, an amino acid with highly similar properties. This amino acid position is conserved. In addition, this alteration is predicted to be tolerated by in silico analysis. Since supporting evidence is limited at this time, the clinical significance of this alteration remains unclear.